The following is an entry in ClinVar:

ClinVar aggregate classification (germline): Pathogenic. Review status: criteria provided, multiple submitters, no conflicts (2 of 4 stars). 17 submissions from 17 submitters: Pathogenic (15). 2 of the submissions do not count toward it. Last evaluated 2026-06-04.

Conditions:
Autosomal recessive nonsyndromic hearing loss 1A (DFNB1A). Also called: Connexin 26 deafness; Deafness nonsyndromic, Connexin 26 linked; GJB6-Related DFNB 1 Nonsyndromic Hearing Loss and Deafness; Deafness, autosomal recessive 1A; GJB2-Related Autosomal Recessive Nonsyndromic Hearing Loss; Nonsyndromic Hearing Loss and Deafness, DFNB1. Identifiers: Orphanet 90636, MedGen C2673759, MONDO:0009076, OMIM 220290.
Mutilating keratoderma (VOWNKL). Also called: Keratoderma hereditarium mutilans. Identifiers: Orphanet 494, MedGen C0265964, MONDO:0007422, OMIM 124500.
Ichthyosis, hystrix-like, with hearing loss. Also called: Hystrix-like ichthyosis with deafness. Identifiers: Orphanet 477, MedGen C1865234, MONDO:0011245.
Autosomal dominant keratitis-ichthyosis-hearing loss syndrome. Also called: Senter syndrome; HID SYNDROME; KID SYNDROME, AUTOSOMAL DOMINANT. Identifiers: Orphanet 477, MedGen C0265336, MONDO:0007850, OMIM 148210.
Palmoplantar keratoderma-deafness syndrome. Also called: Keratoderma palmoplantar, with deafness; Palmoplantar keratoderma and sensorineural deafness; Hereditary palmoplantar keratoderma with deafness (subtype); Focal palmoplantar keratoderma with sensorineural deafness (subtype); Diffuse palmoplantar keratoderma with deafness (subtype). Identifiers: Orphanet 2202, MedGen C1835672, MONDO:0007852, OMIM 148350.
Knuckle pads, deafness AND leukonychia syndrome. Also called: Bart-Pumphrey syndrome. Identifiers: Orphanet 2698, MedGen C0266004, MONDO:0007866, OMIM 149200.
Autosomal dominant nonsyndromic hearing loss 3A. Identifiers: Orphanet 90635, MedGen C2675750, MONDO:0011103, OMIM 601544.
GJB2-related disorder. Also called: GJB2-related condition; GJB2-related disorders. Identifiers: MedGen CN382183, MONDO:1060236.

Submissions 1 to 6 of 17:

PreventionGenetics, part of Exact Sciences
Classification: Pathogenic for GJB2-related condition. Last evaluated: 2026-06-04. Review status: criteria provided, single submitter. Criteria: ACMG Guidelines, 2015. Collection method: clinical testing. Allele origin: germline.
Comment: The GJB2 c.176_191del16 variant is predicted to result in a frameshift and premature protein termination (p.Gly59Alafs*18). This variant has been reported in the compound heterozygous and homozygous state in multiple individuals with autosomal recessive non-syndromic hearing loss (see for example, Abe et al. 2000. PubMed ID: 10633133; Minami et al. 2013. PubMed ID: 24013081; Wang et al. 2018. PubMed ID: 30146550). Experimental studies suggest this variant impacts protein function through the alteration of subcellular localization (Zhang et al. 2010. PubMed ID: 20095872; Shi et al. 2018. PubMed ID: 29665173). This variant is reported in 0.016% of alleles in individuals of East Asian descent in gnomAD. Frameshift variants in GJB2 are expected to be pathogenic. This variant is consistently interpreted as pathogenic in ClinVar (Variation ID: 284906). This variant is interpreted as pathogenic.

Dasa
Classification: Pathogenic. Last evaluated: 2026-01-09. Review status: criteria provided, single submitter. Criteria: DASA Assertion Criteria. Collection method: clinical testing. Allele origin: germline.
Comment: NM_004004.6(GJB2):c.176_191del (p.Gly59Alafs*18) is a frameshift variant in GJB2 predicted to alter the reading frame and introduce a premature termination codon and is predicted to result in an absent or altered protein product. Loss of function is an established disease mechanism for GJB2-associated disorders. This variant has been recurrently observed in individuals with GJB2-related disorders (PMID: 29665173; PMID: 19125024; PMID: 10633133). Functional evidence supports an impact on the gene or gene product. Also, this variant is rare in population databases. Based on the currently available evidence, this variant is classified as pathogenic.

Labcorp Genetics (formerly Invitae), Labcorp
Classification: Pathogenic. Last evaluated: 2026-01-05. Review status: criteria provided, single submitter. Criteria: Invitae Variant Classification Sherloc (09022015). Collection method: clinical testing. Allele origin: germline.
Comment: This sequence change creates a premature translational stop signal (p.Gly59Alafs*18) in the GJB2 gene. While this is not anticipated to result in nonsense mediated decay, it is expected to disrupt the last 168 amino acid(s) of the GJB2 protein. This variant is present in population databases (rs750188782, gnomAD 0.02%). This premature translational stop signal has been observed in individual(s) with autosomal recessive non-syndromic deafness (PMID: 10633133, 19125024, 19366456, 24224790, 26043044). ClinVar contains an entry for this variant (Variation ID: 284906). Algorithms developed to predict the effect of variants on gene product structure and function are not available or were not evaluated for this variant. Experimental studies have shown that this premature translational stop signal affects GJB2 function (PMID: 20095872). This variant disrupts a region of the GJB2 protein in which other variant(s) (p.Leu79Cysfs*3, p.Tyr97*) have been determined to be pathogenic (PMID: 15070423, 19371219, 22747691, 26061264). This suggests that this is a clinically significant region of the protein, and that variants that disrupt it are likely to be disease-causing. For these reasons, this variant has been classified as Pathogenic.

Natera, Inc.
Classification: Pathogenic for Autosomal recessive deafness type 1A. Last evaluated: 2025-07-07. Review status: criteria provided, single submitter. Criteria: Natera Variant Classification Schema (03/2026). Collection method: clinical testing. Allele origin: germline.
Comment: The c.176_191delGCTGCAAGAACGTGTG variant in GJB2 is a frameshift variant predicted to shift the reading frame beginning at codon 59 and leads to a stop codon 18 codons downstream. This variant is expected to result in nonsense mediated decay, truncation, or a dysfunctional protein product. This variant is rare in the general population with a frequency below the threshold expected for the associated phenotype(s). This variant has been observed in one or more individuals affected with the associated recessive disease, as either homozygous or compound heterozygous with a second variant (PMID: 23826813). Given the available evidence, this variant is classified as Pathogenic.

Victorian Clinical Genetics Services, Murdoch Childrens Research Institute
Classification: Pathogenic for Autosomal recessive nonsyndromic hearing loss 1A. Last evaluated: 2025-03-05. Review status: criteria provided, single submitter. Criteria: ACMG Guidelines, 2015. Collection method: clinical testing. Allele origin: germline.
Comment: This variant is classified as Pathogenic. Evidence in support of pathogenic classification: Variant is predicted to result in a truncated protein (premature termination codon is NOT located at least 54 nucleotides upstream of the final exon-exon junction) with at least 1/3 of the protein sequence affected; Variant is present in gnomAD <0.01 (v4: 21 heterozygotes, 0 homozygotes); This variant has very strong previous evidence of pathogenicity in unrelated individuals. This variant is a commonly reported pathogenic variant (ClinVar, Deafness Variation database), and has been reported in the literature in many individuals with hearing loss (PMID: 39183030). Additional information: This variant is heterozygous; This gene is associated with both recessive and dominant disease. The autosomal dominant diseases are commonly associated with pathogenic missense variants. The autosomal recessive disease is associated with bi-allelic loss-of-function variants and includes missense and protein truncating variants (NIH Genetics Home Reference, PMID: 12792423). - Loss of function is a known mechanism of disease in this gene and is associated with both deafness and skin conditions (OMIM). Dominant negative is also a suggested mechanism (PMID: 28428247); The condition associated with this gene has incomplete penetrance (PMID: 31160754); Variants in this gene are known to have variable expressivity. Severity can range from mild to profound with intrafamilial variability also commonly seen. Commonly, truncating variants are associated with a more severe hearing loss (PMID: 20301449); Inheritance information for this variant is not currently available in this individual.

ARUP Laboratories, Molecular Genetics and Genomics, ARUP Laboratories
Classification: Pathogenic. Last evaluated: 2024-12-09. Review status: criteria provided, single submitter. Criteria: ARUP Molecular Germline Variant Investigation Process 2024. Collection method: clinical testing. Allele origin: germline.
Comment: The GJB2 c.176_191del; p.Gly59AlafsTer18 variant (rs750188782) is associated with autosomal recessive nonsyndromic hearing loss (Abe 2000, Davoudi-Dehaghani 2014, Han 2008, Zhang 2010) and is reported as one of the most common pathogenic GJB2 variants in Chinese populations (Zhang 2010). This variant is reported in ClinVar (Variation ID: 284906) and is found in the East Asian population with an allele frequency of 0.01% (3/18,394 alleles) in the Genome Aggregation Database. This variant causes a frameshift by deleting 16 nucleotides, so it is predicted to result in a truncated protein or mRNA subject to nonsense-mediated decay. Based on available information, this variant is considered to be pathogenic. References: Abe S et al. Prevalent connexin 26 gene (GJB2) mutations in Japanese. J Med Genet. 2000 Jan;37(1):41-3. PMID: 10633133. Davoudi-Dehaghani E et al. Reporting the presence of three different diseases causing GJB2 mutations in a consanguineous deaf family. Int J Audiol. 2014 Feb;53(2):128-31. PMID: 24224790. Han SH et al. Carrier frequency of GJB2 (connexin-26) mutations causing inherited deafness in the Korean population. J Hum Genet. 2008;53(11-12):1022-8. PMID: 19043807. Zhang Y et al. Three common GJB2 mutations causing nonsyndromic hearing loss in Chinese populations are retained in the endoplasmic reticulum. Acta Otolaryngol. 2010 Jul;130(7):799-803. PMID: 20095872.

NM_004004.6(GJB2):c.176_191del (p.Gly59fs)

Gene: GJB2 (gap junction protein beta 2; minus strand). Cytogenetic location: 13q12.11.
Variant type: Deletion.
Coding change: c.176_191del on transcript NM_004004.6 (MANE Select); coding-DNA positions 176 to 191, 16 bases deleted (GCTGCAAGAACGTGTG).
Protein change: p.Gly59fs; shifts the reading frame from glycine 59.
Molecular consequence: frameshift variant.
Genome position (GRCh38, 1-based): chr13:20,189,391-20,189,406, CACACGTTCTTGCAGC deleted on the plus strand (GCTGCAAGAACGTGTG on the coding strand, the reverse complement: GJB2 is on the minus strand); deleting any 16 consecutive bases within chr13:20,189,391-20,189,407 gives the same sequence; the c. name uses the placement nearest the transcript's 3' end. VCF-style (leftmost placement, unchanged base first): chr13-20189390-GCACACGTTCTTGCAGC-G. GRCh37 (hg19) VCF-style: chr13-20763529-GCACACGTTCTTGCAGC-G.
Other names: c.176_191delGCTGCAAGAACGTGTG (NM_004004.6, NM_004004.5); short protein forms G59fs.
Identifiers: ClinVar variation 284906 (VCV000284906.48), dbSNP rs750188782, ClinGen allele CA6904305.